The following is an entry in ClinVar:

ClinVar aggregate classification (germline): Likely benign (1 of 4 stars; one submission).

gnomAD v4.1: 1,183 of 1,598,416 alleles (0.074%); highest among the groups gnomAD compares: Middle Eastern, 0.27%; 4 homozygotes.

Submission:

CeGaT Center for Human Genetics Tuebingen
Classification: Likely benign. Last evaluated: 2025-01-01. Review status: criteria provided, single submitter. Criteria: CeGaT Center For Human Genetics Tuebingen Variant Classification Criteria Version 2. Collection method: clinical testing. Allele origin: germline. Affected: yes. Observed: 1 variant allele.
Comment: FILIP1: BS2

NM_015687.5(FILIP1):c.692A>G (p.Lys231Arg)

Gene: FILIP1 (filamin A interacting protein 1; minus strand). Cytogenetic location: 6q14.1.
Variant type: single nucleotide variant.
Coding change: c.692A>G on transcript NM_015687.5 (MANE Select); coding-DNA position 692, A replaced by G.
Protein change: p.Lys231Arg; replaces lysine 231 with arginine.
Molecular consequence: missense variant.
Genome position (GRCh38, 1-based): chr6:75,315,140, T>C on the plus strand (A>G on the coding strand, the complement: FILIP1 is on the minus strand). VCF-style: chr6-75315140-T-C. GRCh37 (hg19) VCF-style: chr6-76024856-T-C.
Other names: c.701A>G, p.Lys234Arg (NM_001289987.3); c.692A>G, p.Lys231Arg (NM_001300866.3); short protein forms K231R, K234R.
Identifiers: ClinVar variation 3770522 (VCV003770522.13).